The following is an entry in ClinVar:

ClinVar aggregate classification (germline): Likely benign. Review status: criteria provided, single submitter (1 of 4 stars). 2 submissions from 2 submitters: Likely benign (1). 1 of the submissions does not count toward it. Last evaluated 2023-03-23.

Conditions:
Hereditary cancer-predisposing syndrome. Also called: Tumor predisposition; Neoplastic Syndromes, Hereditary; Hereditary Cancer Syndrome; Hereditary neoplastic syndrome. Identifiers: Orphanet 140162, MedGen C0027672, MeSH D009386, MONDO:0015356.
Breast-ovarian cancer, familial, susceptibility to, 1 (BROVCA1). Also called: OVARIAN CANCER, SUSCEPTIBILITY TO; BRCA1 Hereditary Breast and Ovarian Cancer. Identifiers: Orphanet 145, MedGen C2676676, MONDO:0011450, OMIM 604370. Disease mechanism: loss of function.

Submissions (2):

University of Washington Department of Laboratory Medicine, University of Washington
Classification: Likely benign for Hereditary cancer-predisposing syndrome. Last evaluated: 2023-03-23. Review status: criteria provided, single submitter. Criteria: Dines et al. (Genet Med. 2020). Collection method: curation. Allele origin: germline.
Comment: Missense variant in a coldspot region where missense variants are very unlikely to be pathogenic (PMID:31911673).

BRCA1 coldspot (exon 11 using historical exon numbering). Reclassification based on statistical prior probability

Breast Cancer Information Core (BIC) (BRCA1)
Classification: Uncertain significance for Breast-ovarian cancer, familial 1. Last evaluated: 2003-12-23. Review status: no assertion criteria provided. Collection method: clinical testing. Allele origin: germline. Affected: yes. Observed: 1 variant allele. Not counted in ClinVar's aggregate classification.

NM_007294.4(BRCA1):c.1130G>A (p.Ser377Asn)

Gene: BRCA1 (BRCA1 DNA repair associated; minus strand). Cytogenetic location: 17q21.31.
Variant type: single nucleotide variant.
Coding change: c.1130G>A on transcript NM_007294.4 (MANE Select); coding-DNA position 1130, G replaced by A.
Protein change: p.Ser377Asn; replaces serine 377 with asparagine.
Molecular consequence: missense variant. On other transcripts: intron variant (137).
Genome position (GRCh38, 1-based): chr17:43,094,401, C>T on the plus strand (G>A on the coding strand, the complement: BRCA1 is on the minus strand). VCF-style: chr17-43094401-C-T. GRCh37 (hg19) VCF-style: chr17-41246418-C-T.
Other names: c.1004G>A, p.Ser335Asn (NM_001407670.1, NM_001407671.1, NM_001407672.1 and 11 more transcripts); c.1007G>A, p.Ser336Asn (NM_001407674.1, NM_001407675.1, NM_001407676.1 and 19 more transcripts); c.1130G>A, p.Ser377Asn (NM_001407684.1, NM_001407854.1, NM_001407858.1 and 30 more transcripts); c.989G>A, p.Ser330Asn (NM_001407692.1, NM_001407694.1, NM_001407695.1 and 29 more transcripts); c.986G>A, p.Ser329Asn (NM_001407740.1, NM_001407741.1, NM_001407742.1 and 20 more transcripts); c.917G>A, p.Ser306Asn (NM_001407853.1, NM_001407894.1, NM_001407895.1 and 9 more transcripts); c.1127G>A, p.Ser376Asn (NM_001407860.1, NM_001407861.1, NM_001407587.1 and 22 more transcripts); c.929G>A, p.Ser310Asn (NM_001407862.1); and 40 more; short protein forms S377N, S330N, S209N, S249N, S307N, S350N, S374N, S81N.
Identifiers: ClinVar variation 54142 (VCV000054142.5), dbSNP rs80357398, ClinGen allele CA000756.